The following is an entry in ClinVar:

ClinVar aggregate classification (germline): Conflicting classifications of pathogenicity. Review status: criteria provided, conflicting classifications (1 of 4 stars). 7 submissions from 7 submitters: Likely pathogenic (1); Uncertain significance (5). 1 of the submissions does not count toward it. Last evaluated 2025-10-02.

Conditions:
Atypical hemolytic-uremic syndrome. Identifiers: Orphanet 2134, MedGen C2931788, MONDO:0016244.
Atypical hemolytic-uremic syndrome with MCP/CD46 anomaly. Also called: HEMOLYTIC UREMIC SYNDROME, ATYPICAL, SUSCEPTIBILITY TO, 2; AHUS, SUSCEPTIBILITY TO, 2. Identifiers: Orphanet 2134, MedGen C2752040, MONDO:0013040, OMIM 612922.

Allele frequency attached by ClinVar (database versions not stated): gnomAD exomes below 0.00001 and 0.00001; ExAC 0.00001; TOPMed 0.00003.

Submissions (7):

Genomenon, Inc
Classification: Uncertain significance for Atypical hemolytic-uremic syndrome. Last evaluated: 2025-10-02. Review status: criteria provided, single submitter. Criteria: Genomenon Sequence Variant Interpretation Standards. Collection method: curation. Allele origin: germline. Affected: yes.
Comment: CD46 p.Leu202Phe (c.604C>T) is a missense variant that changes the amino acid at residue 202 from Leucine to Phenylalanine. This variant has been observed in at least one proband affected with atypical hemolytic-uremic syndrome (PMID:34169200). It is absent or not present at a significant frequency in gnomAD. In conclusion, we classify CD46 p.Leu202Phe (c.604C>T) as a variant of uncertain significance.

Labcorp Genetics (formerly Invitae), Labcorp
Classification: Uncertain significance. Last evaluated: 2025-02-25. Review status: criteria provided, single submitter. Criteria: Invitae Variant Classification Sherloc (09022015). Collection method: clinical testing. Allele origin: germline.
Comment: This sequence change replaces leucine, which is neutral and non-polar, with phenylalanine, which is neutral and non-polar, at codon 202 of the CD46 protein (p.Leu202Phe). This variant is present in population databases (rs750324925, gnomAD 0.003%). This missense change has been observed in individual(s) with atypical hemolytic uremic syndrome (PMID: 34169200). ClinVar contains an entry for this variant (Variation ID: 599060). Invitae Evidence Modeling of protein sequence and biophysical properties (such as structural, functional, and spatial information, amino acid conservation, physicochemical variation, residue mobility, and thermodynamic stability) indicates that this missense variant is expected to disrupt CD46 protein function with a positive predictive value of 80%. In summary, the available evidence is currently insufficient to determine the role of this variant in disease. Therefore, it has been classified as a Variant of Uncertain Significance.

Women's Health and Genetics/Laboratory Corporation of America, LabCorp
Classification: Uncertain significance. Last evaluated: 2024-06-21. Review status: criteria provided, single submitter. Criteria: LabCorp Variant Classification Summary - May 2015. Collection method: clinical testing. Allele origin: germline.
Comment: Variant summary: CD46 c.604C>T (p.Leu202Phe) results in a non-conservative amino acid change located in the Sushi/SCR/CCP domain (IPR000436) of the encoded protein sequence. Five of five in-silico tools predict a damaging effect of the variant on protein function. The variant allele was found at a frequency of 4e-06 in 251462 control chromosomes. The available data on variant occurrences in the general population are insufficient to allow any conclusion about variant significance. c.604C>T has been reported in the literature in a setting of whole exome sequencing in at least one individual affected with Atypical Hemolytic Uremic Syndrome (e.g. Barbour_2021). These data do not provide sufficient evidence to allow any conclusion about variant significance. To our knowledge, no experimental evidence demonstrating an impact on protein function has been reported. The following publication has been ascertained in the context of this evaluation (PMID: 34169200). ClinVar contains an entry for this variant (Variation ID: 599060). Based on the evidence outlined above, the variant was classified as uncertain significance.

Blueprint Genetics
Classification: Uncertain significance. Last evaluated: 2024-04-12. Review status: criteria provided, single submitter. Criteria: ACMG Guidelines, 2015. Collection method: clinical testing. Allele origin: germline.

MVZ Medizinische Genetik Mainz
Classification: Likely pathogenic for Atypical hemolytic-uremic syndrome with MCP/CD46 anomaly. Last evaluated: 2023-12-12. Review status: criteria provided, single submitter. Criteria: UK Practice Guidelines For Variant Classification V4 01 2020. Collection method: clinical testing. Allele origin: germline. Inheritance: Autosomal dominant inheritance. Affected: yes. Observed: 1 variant allele.
Comment: ACMG Criteria: PS4, PM1_SUP, PM2_SUP, PP4

Mayo Clinic Laboratories, Mayo Clinic
Classification: Uncertain significance. Last evaluated: 2021-03-16. Review status: criteria provided, single submitter. Criteria: ACMG Guidelines, 2015. Collection method: clinical testing. Allele origin: germline. Observed: 1 variant allele.

Bioscientia Institut fuer Medizinische Diagnostik GmbH, Sonic Healthcare
Classification: Pathogenic for Atypical hemolytic-uremic syndrome with MCP/CD46 anomaly. Last evaluated: 2019-04-26. Review status: no assertion criteria provided. Collection method: clinical testing. Allele origin: germline. Affected: yes. Not counted in ClinVar's aggregate classification.

Literature cited by the submitters: PubMed 34169200 (cited by 3 submitters).

NM_172351.3(CD46):c.604C>T (p.Leu202Phe)

Gene: CD46 (CD46 molecule; plus strand). Cytogenetic location: 1q32.2.
Variant type: single nucleotide variant.
Coding change: c.604C>T on transcript NM_172351.3 (MANE Select); coding-DNA position 604, C replaced by T.
Protein change: p.Leu202Phe; replaces leucine 202 with phenylalanine.
Molecular consequence: missense variant.
Genome position (GRCh38, 1-based): chr1:207,761,377, C>T. VCF-style: chr1-207761377-C-T. GRCh37 (hg19) VCF-style: chr1-207934722-C-T.
Other names: c.604C>T, p.Leu202Phe (LRG_155t1, NM_002389.4, NM_153826.4 and 9 more transcripts); short protein forms L202F.
Identifiers: ClinVar variation 599060 (VCV000599060.13), dbSNP rs750324925, ClinGen allele CA1371685.
Genomic context (GRCh38, chr1:207,761,377, plus strand): 5'-GAGTATCTTGATGCAGTAACTTATAGTTGTGATCCTGCACCTGGACCAGATCCATTTTCA[C>T]TTATTGGAGAGAGCACGATTTATTGTGGTGACAATTCAGTGTGGAGTCGTGCTGCTCCAG-3'
Protein context (NP_758861.1, residues 192-212): DPAPGPDPFS[Leu202Phe]IGESTIYCGD